The following is an entry in ClinVar:

ClinVar aggregate classification (germline): Likely benign. Review status: criteria provided, single submitter (1 of 4 stars). 2 submissions from 2 submitters: Likely benign (1). 1 of the submissions does not count toward it. Last evaluated 2022-02-08.

Conditions:
Intellectual developmental disorder, X-linked 97. Also called: Intellectual disability, X-linked 97. Identifiers: Orphanet 777, MedGen C2749020, MONDO:0010430, OMIM 300803.
ZNF711-related disorder. Also called: ZNF711-related condition.

Allele frequency attached by ClinVar (database versions not stated): ExAC 0.00001; gnomAD 0.00002; gnomAD exomes 0.00005; TOPMed 0.00005; ESP Exome Variant Server 0.00009.
gnomAD v4.1: 24 of 1,208,398 alleles (0.002%); highest among the groups gnomAD compares: Non-Finnish European, 0.0026%; 1 homozygote.

Submissions (2):

Department of Pathology and Laboratory Medicine, Sinai Health System
Classification: Likely benign for Intellectual developmental disorder, X-linked 97. Last evaluated: 2022-02-08. Review status: criteria provided, single submitter. Criteria: ACMG Guidelines, 2015. Collection method: research. Allele origin: germline.

PreventionGenetics, part of Exact Sciences
Classification: Likely benign for ZNF711-related condition. Last evaluated: 2023-12-08. Review status: no assertion criteria provided. Collection method: clinical testing. Allele origin: germline. Not counted in ClinVar's aggregate classification.
Comment: This variant is classified as likely benign based on ACMG/AMP sequence variant interpretation guidelines (Richards et al. 2015 PMID: 25741868, with internal and published modifications).

NM_001330574.2(ZNF711):c.2234C>T (p.Thr745Ile)

Gene: ZNF711 (ZFX family zinc finger ZNF711; plus strand). Cytogenetic location: Xq21.1.
Variant type: single nucleotide variant.
Coding change: c.2234C>T on transcript NM_001330574.2 (MANE Select); coding-DNA position 2234, C replaced by T.
Protein change: p.Thr745Ile; replaces threonine 745 with isoleucine.
Molecular consequence: missense variant.
Genome position (GRCh38, 1-based): chrX:85,271,638, C>T. VCF-style: chrX-85271638-C-T. GRCh37 (hg19) VCF-style: chrX-84526644-C-T.
Other names: c.2234C>T, p.Thr745Ile (NM_001375431.1, NM_001375432.1, NM_001375433.1); c.2096C>T, p.Thr699Ile (NM_001375434.1, NM_001375435.1, NM_001375436.1 and 2 more transcripts); short protein forms T699I, T745I.
Identifiers: ClinVar variation 3054392 (VCV003054392.3), dbSNP rs372169071, ClinGen allele CA10464833.